The following is an entry in ClinVar:

ClinVar aggregate classification (germline): Uncertain significance. Review status: criteria provided, multiple submitters, no conflicts (2 of 4 stars). 3 submissions from 3 submitters: Uncertain significance (2). 1 of the submissions does not count toward it. Last evaluated 2021-10-09.

Conditions:
Inborn genetic diseases. Identifiers: MedGen C0950123, MeSH D030342.
Retinal dystrophy. Also called: Inherited retinal dystrophy. Identifiers: Orphanet 71862, MedGen C0854723, MeSH D058499, MONDO:0019118, HP:0000556.

Allele frequency attached by ClinVar (database versions not stated): gnomAD exomes below 0.00001; gnomAD 0.00001.
gnomAD v4.1: 5 of 1,614,084 alleles (0.00031%); highest among the groups gnomAD compares: Middle Eastern, 0.016%; no homozygotes.

Submissions (3):

Labcorp Genetics (formerly Invitae), Labcorp
Classification: Uncertain significance. Last evaluated: 2021-10-09. Review status: criteria provided, single submitter. Criteria: Invitae Variant Classification Sherloc (09022015). Collection method: clinical testing. Allele origin: germline.
Comment: In summary, the available evidence is currently insufficient to determine the role of this variant in disease. Therefore, it has been classified as a Variant of Uncertain Significance. Algorithms developed to predict the effect of missense changes on protein structure and function output the following: SIFT: "Deleterious"; PolyPhen-2: "Benign"; Align-GVGD: "Class C25". The arginine amino acid residue is found in multiple mammalian species, which suggests that this missense change does not adversely affect protein function. This variant has not been reported in the literature in individuals affected with NBAS-related conditions. This variant is not present in population databases (ExAC no frequency). This sequence change replaces histidine with arginine at codon 2002 of the NBAS protein (p.His2002Arg). The histidine residue is highly conserved and there is a small physicochemical difference between histidine and arginine.

Ambry Genetics
Classification: Uncertain significance for Inborn genetic diseases. Last evaluated: 2021-06-11. Review status: criteria provided, single submitter. Criteria: Ambry Variant Classification Scheme 2023. Collection method: clinical testing. Allele origin: germline.

Institute of Human Genetics, Univ. Regensburg, Univ. Regensburg
Classification: Uncertain significance for Retinal dystrophy. Last evaluated: 2022-01-01. Review status: no assertion criteria provided. Criteria: ACMG Guidelines, 2015. Collection method: clinical testing. Allele origin: germline. Affected: yes. Not counted in ClinVar's aggregate classification.

NM_015909.4(NBAS):c.6005A>G (p.His2002Arg)

Gene: NBAS (NBAS subunit of NRZ tethering complex; minus strand). Cytogenetic location: 2p24.3.
Variant type: single nucleotide variant.
Coding change: c.6005A>G on transcript NM_015909.4 (MANE Select); coding-DNA position 6005, A replaced by G.
Protein change: p.His2002Arg; replaces histidine 2002 with arginine.
Molecular consequence: missense variant. On other transcripts: non-coding transcript variant (1).
Genome position (GRCh38, 1-based): chr2:15,234,686, T>C on the plus strand (A>G on the coding strand, the complement: NBAS is on the minus strand). VCF-style: chr2-15234686-T-C. GRCh37 (hg19) VCF-style: chr2-15374810-T-C.
Other names: c.6005A>G (NM_015909.2); short protein forms H2002R.
Identifiers: ClinVar variation 1510842 (VCV001510842.8), dbSNP rs1041923869, ClinGen allele CA42596671.